The following is an entry in ClinVar:

ClinVar aggregate classification (germline): Uncertain significance. Review status: criteria provided, multiple submitters, no conflicts (2 of 4 stars). 2 submissions from 2 submitters: Uncertain significance (2). Last evaluated 2025-08-20.

Allele frequency attached by ClinVar (database versions not stated): gnomAD 0.00005; ESP Exome Variant Server 0.00008; ExAC 0.00007; TOPMed 0.00007; gnomAD exomes 0.00010.
gnomAD v4.1: 156 of 1,612,980 alleles (0.0097%); highest among the groups gnomAD compares: Non-Finnish European, 0.013%; no homozygotes.

Submissions (2):

Mayo Clinic Laboratories, Mayo Clinic
Classification: Uncertain significance. Last evaluated: 2025-08-20. Review status: criteria provided, single submitter. Criteria: ACMG Guidelines, 2015. Collection method: clinical testing. Allele origin: germline. Observed: 1 variant allele.
Comment: BS2

Labcorp Genetics (formerly Invitae), Labcorp
Classification: Uncertain significance. Last evaluated: 2022-04-09. Review status: criteria provided, single submitter. Criteria: Invitae Variant Classification Sherloc (09022015). Collection method: clinical testing. Allele origin: germline.
Comment: In summary, the available evidence is currently insufficient to determine the role of this variant in disease. Therefore, it has been classified as a Variant of Uncertain Significance. Algorithms developed to predict the effect of missense changes on protein structure and function are either unavailable or do not agree on the potential impact of this missense change (SIFT: "Tolerated"; PolyPhen-2: "Benign"; Align-GVGD: "Class C25"). This variant has not been reported in the literature in individuals affected with CTBP1-related conditions. This variant is present in population databases (rs369272423, gnomAD 0.01%). This sequence change replaces proline, which is neutral and non-polar, with serine, which is neutral and polar, at codon 303 of the CTBP1 protein (p.Pro303Ser).

NM_001012614.2(CTBP1):c.874C>T (p.Pro292Ser)

Genes: CTBP1 (C-terminal binding protein 1; minus strand), CTBP1-AS (CTBP1 antisense RNA; plus strand). Cytogenetic location: 4p16.3.
Variant type: single nucleotide variant.
Coding change: c.874C>T on transcript NM_001012614.2 (MANE Select); coding-DNA position 874, C replaced by T.
Protein change: p.Pro292Ser; replaces proline 292 with serine.
Molecular consequence: missense variant.
Genome position (GRCh38, 1-based): chr4:1,213,592, G>A on the plus strand (C>T on the coding strand, the complement: CTBP1 is on the minus strand). VCF-style: chr4-1213592-G-A. GRCh37 (hg19) VCF-style: chr4-1207380-G-A.
Other names: p.Pro303Ser; c.907C>T, p.Pro303Ser (NM_001328.3, NM_001377186.1); c.874C>T, p.Pro292Ser (NM_001377187.1, NM_001377188.1, NM_001377189.1 and 4 more transcripts); short protein forms P292S, P303S.
Identifiers: ClinVar variation 2055726 (VCV002055726.5), dbSNP rs369272423, ClinGen allele CA2804242.